The following is an entry in ClinVar:

ClinVar aggregate classification (germline): Pathogenic (1 of 4 stars; one submission).

Conditions:
Hereditary factor XI deficiency disease. Also called: PLASMA THROMBOPLASTIN ANTECEDENT DEFICIENCY; PTA DEFICIENCY; ROSENTHAL SYNDROME; Congenital factor XI deficiency. Identifiers: Orphanet 329, MedGen C0015523, MeSH D005173, MONDO:0012897, OMIM 612416.

Submission:

Myriad Genetics, Inc.
Classification: Pathogenic for Hereditary factor XI deficiency disease. Last evaluated: 2024-05-14. Review status: criteria provided, single submitter. Criteria: Myriad Autosomal Dominant, Autosomal Recessive and X-Linked Classification Criteria (2023). Collection method: clinical testing. Allele origin: unknown.
Comment: NM_000128.3(F11):c.1498_1499del2ins16(C500Kfs*15) is expected to be pathogenic in the context of factor XI deficiency. This variant is predicted to lead to an abnormal or absent protein product due to the creation of a premature termination codon in F11, a gene where loss-of-function variants are known to be pathogenic. Please note: this variant was assessed in the context of healthy population screening.

NM_000128.4(F11):c.1498_1499delinsAAGAAAATCCATTATA (p.Cys500fs)

Genes: F11 (coagulation factor XI; plus strand), F11-AS1 (F11 antisense RNA 1; minus strand). Cytogenetic location: 4q35.2.
Variant type: Indel.
Coding change: c.1498_1499delinsAAGAAAATCCATTATA on transcript NM_000128.4 (MANE Select); coding-DNA positions 1498 to 1499, TG replaced by AAGAAAATCCATTATA.
Protein change: p.Cys500fs; shifts the reading frame from cysteine 500.
Molecular consequence: frameshift variant. On other transcripts: intron variant (4).
Genome position (GRCh38, 1-based): chr4:186,286,432-186,286,433, TG replaced by AAGAAAATCCATTATA. VCF-style: chr4-186286432-TG-AAGAAAATCCATTATA. GRCh37 (hg19) VCF-style: chr4-187207586-TG-AAGAAAATCCATTATA.
Other names: c.1450_1451delinsAAGAAAATCCATTATA, p.Cys484fs (NM_001440590.1); c.1228_1229delinsAAGAAAATCCATTATA, p.Cys410fs (NM_001440605.1); c.1180_1181delinsAAGAAAATCCATTATA, p.Cys394fs (NM_001440606.1); c.1480+619_1480+620delinsAAGAAAATCCATTATA (NM_001440593.1); c.1432+619_1432+620delinsAAGAAAATCCATTATA (NM_001440596.1); c.1210+619_1210+620delinsAAGAAAATCCATTATA (NM_001440607.1); c.1162+619_1162+620delinsAAGAAAATCCATTATA (NM_001440608.1); short protein forms C394fs, C410fs, C484fs, C500fs.
Identifiers: ClinVar variation 5010752 (VCV005010752.1).
Genomic context (GRCh38, chr4:186,286,432, plus strand): 5'-ATATTTTGCGTCTCATATTTAAACCACGATTTTTTAAATTTAGATTCTCAACGACCCATA[TG>AAGAAAATCCATTATA]CCTGCCTTCCAAAGGAGATAGAAATGTAATATACACTGATTGCTGGGTGACTGGATGGGG-3'